The following is an entry in ClinVar:

ClinVar aggregate classification (germline): Uncertain significance (1 of 4 stars; one submission).

Conditions:
FG syndrome 1 (OKS). Also called: OPITZ-KAVEGGIA SYNDROME; KELLER SYNDROME; MENTAL RETARDATION, LARGE HEAD, IMPERFORATE ANUS, CONGENITAL HYPOTONIA, AND PARTIAL AGENESIS OF CORPUS CALLOSUM; FG Syndrome Type 1 (FGS1). Identifiers: Orphanet 93932, MedGen C5399762, MONDO:0010590, OMIM 305450.

Submission:

Medical Genetics Clinic, University of Catania
Classification: Uncertain significance for FG syndrome 1. Last evaluated: 2026-04-29. Review status: criteria provided, single submitter. Criteria: ACMG Guidelines, 2015. Collection method: clinical testing. Allele origin: maternal. Inheritance: X-linked recessive inheritance. Observed: 1 variant allele, 1 hemizygote.
Comment: The c.847-15G>A variant in the MED12 gene is a single nucleotide substitution located in the intronic region, 15 nucleotides upstream of the acceptor splice site. This variant is not reported in medical literature and is absent in GnomAD. In the light of the above the c.847-15G>A variant in the MED12 gene has been classified as a variant of uncertain significance (PM2, BP7)

NM_005120.3(MED12):c.847-15G>A

Gene: MED12 (mediator complex subunit 12; plus strand). Cytogenetic location: Xq13.1.
Variant type: single nucleotide variant.
Coding change: c.847-15G>A on transcript NM_005120.3 (MANE Select); 15 bases into the intron before coding-DNA position 847, G replaced by A.
Molecular consequence: intron variant.
Genome position (GRCh38, 1-based): chrX:71,121,547, G>A. VCF-style: chrX-71121547-G-A. GRCh37 (hg19) VCF-style: chrX-70341397-G-A.
Identifiers: ClinVar variation 4857490 (VCV004857490.1).